The following is an entry in ClinVar:

NM_000551.4(VHL):c.*2468C>T

Genes: VHL (von Hippel-Lindau tumor suppressor; plus strand), LOC107303340 (3p25 von Hippel-Lindau tumor suppressor, E3 ubiquitin protein ligase Alu-mediated recombination region; plus strand). Cytogenetic location: 3p25.3.
Variant type: single nucleotide variant.
Coding change: c.*2468C>T on transcript NM_000551.4 (MANE Select); 2468 bases downstream of the stop codon, C replaced by T.
Molecular consequence: 3 prime UTR variant.
Genome position (GRCh38, 1-based): chr3:10,152,433, C>T. VCF-style: chr3-10152433-C-T. GRCh37 (hg19) VCF-style: chr3-10194117-C-T.
Other names: c.*2664C>T (NM_001354723.2); c.*2468C>T (NM_198156.3).
Identifiers: ClinVar variation 342469 (VCV000342469.5), dbSNP rs138237298, ClinGen allele CA10616782.
Genomic context (GRCh38, chr3:10,152,433, plus strand): 5'-AAAAAAAAAAAATTCAAATCAGAGTGAAGTGAATGAGACACTCCAGTTTTCCTTCTACTC[C>T]GAATTTCAACTGATTTTAGCTCCTCCTTTCAACATTCAACAAATAGTCTTTTTTTTTTTT-3'

ClinVar aggregate classification (germline): Benign (1 of 4 stars; one submission).

Conditions:
Von Hippel-Lindau syndrome (VHLS). Also called: Von Hippel-Lindau; von Hippel–Lindau syndrome; VHL syndrome. Identifiers: Orphanet 892, MedGen C0019562, MONDO:0008667, OMIM 193300. Disease mechanism: loss of function.

Allele frequency attached by ClinVar (database versions not stated): 1000 Genomes Project 0.00040; 1000 Genomes Project 30x 0.00047; gnomAD 0.00109; TOPMed 0.00112.
gnomAD v4.1: 163 of 150,176 alleles (0.11%); highest among the groups gnomAD compares: Middle Eastern, 0.36%; no homozygotes.

Submission:

Illumina Laboratory Services, Illumina
Classification: Benign for Von Hippel-Lindau syndrome. Last evaluated: 2018-01-13. Review status: criteria provided, single submitter. Criteria: ICSL Variant Classification Criteria 13 December 2019. Collection method: clinical testing. Allele origin: germline.
Comment: This variant was observed in the ICSL laboratory as part of a predisposition screen in an ostensibly healthy population. It had not been previously curated by ICSL or reported in the Human Gene Mutation Database (HGMD: prior to June 1st, 2018), and was therefore a candidate for classification through an automated scoring system. Utilizing variant allele frequency, disease prevalence and penetrance estimates, and inheritance mode, an automated score was calculated to assess if this variant is too frequent to cause the disease. Based on the score and internal cut-off values, a variant classified as benign is not then subjected to further curation. The score for this variant resulted in a classification of benign for this disease.